The following is an entry in ClinVar:

NM_001370259.2(MEN1):c.1393del (p.Ala465fs)

Gene: MEN1 (menin 1; minus strand). Cytogenetic location: 11q13.1.
Variant type: Deletion.
Coding change: c.1393del on transcript NM_001370259.2 (MANE Select); coding-DNA position 1393, one base deleted (G; older notation c.1393delG).
Protein change: p.Ala465fs; shifts the reading frame from alanine 465.
Molecular consequence: frameshift variant.
Genome position (GRCh38, 1-based): chr11:64,804,774, C deleted on the plus strand (G on the coding strand, the reverse complement: MEN1 is on the minus strand); the first of 2 consecutive C bases (chr11:64,804,774-64,804,775); deleting either gives the same sequence. VCF-style (leftmost placement, unchanged base first): chr11-64804773-GC-G. GRCh37 (hg19) VCF-style: chr11-64572245-GC-G.
Other names: c.1408del, p.Ala470fs (NM_000244.4, NM_130800.3, NM_130801.3 and 3 more transcripts); c.1519del, p.Ala507fs (NM_001370251.2); c.1393del, p.Ala465fs (NM_001370260.2, NM_001370261.2, NM_130799.3); c.1288del, p.Ala430fs (NM_001370262.2, NM_001370263.2); c.1393delG (NM_130799.2); short protein forms A470fs, A507fs, A430fs, A465fs.
Identifiers: ClinVar variation 1390701 (VCV001390701.10), dbSNP rs2136092552, ClinGen allele CA2573147439.

ClinVar aggregate classification (germline): Pathogenic. Review status: criteria provided, multiple submitters, no conflicts (2 of 4 stars). 2 submissions from 2 submitters: Pathogenic (2). Last evaluated 2026-03-25.

Conditions:
Hereditary cancer-predisposing syndrome. Also called: Neoplastic Syndromes, Hereditary; Tumor predisposition; Hereditary Cancer Syndrome; Hereditary neoplastic syndrome. Identifiers: Orphanet 140162, MedGen C0027672, MeSH D009386, MONDO:0015356.
Multiple endocrine neoplasia, type 1 (MEN1). Also called: Endocrine adenomatosis multiple; MEN 1; MEA I; MEN I; WERMER SYNDROME. Identifiers: Orphanet 652, MedGen C0025267, MeSH D018761, MONDO:0007540, OMIM 131100.

Submissions (2):

Ambry Genetics
Classification: Pathogenic for Hereditary cancer-predisposing syndrome. Last evaluated: 2026-03-25. Review status: criteria provided, single submitter. Criteria: Ambry Variant Classification Scheme 2023. Collection method: clinical testing. Allele origin: germline.
Comment: The c.1393delG pathogenic mutation, located in coding exon 9 of the MEN1 gene, results from a deletion of one nucleotide at nucleotide position 1393, causing a translational frameshift with a predicted alternate stop codon (p.A465Pfs*94). This variant was reported in individual(s) with features consistent with multiple endocrine neoplasia type 1 (Ambry internal data). This variant is considered to be rare based on population cohorts in the Genome Aggregation Database (gnomAD). This alteration is expected to result in loss of function by premature protein truncation or nonsense-mediated mRNA decay. As such, this alteration is interpreted as a disease-causing mutation.

Labcorp Genetics (formerly Invitae), Labcorp
Classification: Pathogenic for Multiple endocrine neoplasia, type 1. Last evaluated: 2021-02-18. Review status: criteria provided, single submitter. Criteria: Invitae Variant Classification Sherloc (09022015). Collection method: clinical testing. Allele origin: germline.
Comment: This variant disrupts the C-terminus of the MEN1 protein. Other variant(s) that disrupt this region (p.Gly472Serfs*90) have been determined to be pathogenic (PMID: 19491073, 15714081). This suggests that variants that disrupt this region of the protein are likely to be causative of disease. For these reasons, this variant has been classified as Pathogenic. This variant has not been reported in the literature in individuals with MEN1-related conditions. This variant is not present in population databases (ExAC no frequency). This sequence change creates a premature translational stop signal (p.Ala465Profs*94) in the MEN1 gene. While this is not anticipated to result in nonsense mediated decay, it is expected to disrupt the last 146 amino acid(s) of the MEN1 protein.

Literature cited by the submitters: PubMed 19491073 (cited by Labcorp Genetics (formerly Invitae), Labcorp); PubMed 15714081 (cited by Labcorp Genetics (formerly Invitae), Labcorp).